The following is an entry in ClinVar:

NM_001669.4(ARSD):c.524G>A (p.Gly175Asp)

Gene: ARSD (arylsulfatase D; minus strand). Cytogenetic location: Xp22.33.
Variant type: single nucleotide variant.
Coding change: c.524G>A on transcript NM_001669.4 (MANE Select); coding-DNA position 524, G replaced by A.
Protein change: p.Gly175Asp; replaces glycine 175 with aspartic acid.
Molecular consequence: missense variant.
Genome position (GRCh38, 1-based): chrX:2,918,143, C>T on the plus strand (G>A on the coding strand, the complement: ARSD is on the minus strand). VCF-style: chrX-2918143-C-T. GRCh37 (hg19) VCF-style: chrX-2836184-C-T.
Other names: c.524G>A, p.Gly175Asp (NM_009589.5); short protein forms G175D.
Identifiers: ClinVar variation 3059035 (VCV003059035.2), dbSNP rs73632976, ClinGen allele CA10337808.

ClinVar aggregate classification (germline): Likely benign (0 of 4 stars; one submission).

Conditions:
ARSD-related disorder. Also called: ARSD-related condition.

Allele frequency attached by ClinVar (database versions not stated): gnomAD 0.00002; TOPMed 0.00002; gnomAD exomes 0.00003; ExAC 0.04267.
gnomAD v4.1: 31 of 1,199,508 alleles (0.0026%); highest among the groups gnomAD compares: South Asian, 0.0036%; no homozygotes.

Submission:

PreventionGenetics, part of Exact Sciences
Classification: Likely benign for ARSD-related condition. Last evaluated: 2020-07-31. Review status: no assertion criteria provided. Collection method: clinical testing. Allele origin: germline.
Comment: This variant is classified as likely benign based on ACMG/AMP sequence variant interpretation guidelines (Richards et al. 2015 PMID: 25741868, with internal and published modifications).